The following is an entry in ClinVar:

ClinVar aggregate classification (germline): Pathogenic/Likely pathogenic. Review status: criteria provided, multiple submitters, no conflicts (2 of 4 stars). 3 submissions from 3 submitters: Pathogenic (1); Likely pathogenic (1). 1 of the submissions does not count toward it. Last evaluated 2021-08-20.

Conditions:
Rajab interstitial lung disease with brain calcifications. Identifiers: Orphanet 178506, MedGen C3150910, MONDO:0100214.
Rajab interstitial lung disease with brain calcifications 1 (RILDBC1). Also called: DEVELOPMENTAL DELAY, SMALL STATURE, MICROCEPHALY, AND BRAIN CALCIFICATIONS; NEURODEVELOPMENTAL DISORDER WITH BRAIN, LIVER, AND LUNG ABNORMALITIES. Identifiers: Orphanet 178506, MedGen C5436276, MONDO:0100215, OMIM 613658.

Allele frequency attached by ClinVar (database versions not stated): gnomAD exomes below 0.00001; ExAC 0.00001; TOPMed 0.00002.
gnomAD v4.1: 25 of 1,537,828 alleles (0.0016%); highest among the groups gnomAD compares: Non-Finnish European, 0.0018%; no homozygotes.

Submissions (3):

Fulgent Genetics
Classification: Likely pathogenic for Rajab interstitial lung disease with brain calcifications 1. Last evaluated: 2021-08-20. Review status: criteria provided, single submitter. Criteria: ACMG Guidelines, 2015. Collection method: clinical testing. Allele origin: unknown.

GeneDx
Classification: Pathogenic. Last evaluated: 2018-06-07. Review status: criteria provided, single submitter. Criteria: GeneDx Variant Classification (06012015). Collection method: clinical testing. Allele origin: germline. Affected: yes.
Comment: The c.848+1 G>A variant in the FARSB gene has been observed in internal GeneDx clinical exome sequencing data in association with lung disease and pneumothoraces, cirrhosis, intracranial aneurysms and calcifications, hypotonia, and connective tissue disease. This splice site variant destroys the canonical splice donor site in intron 9. It is predicted to cause abnormal gene splicing, leading to an abnormal message that is subject to nonsense-mediated mRNA decay. The c.848+1 G>A variant is not observed at a significant frequency in large population cohorts (Lek et al., 2016). Therefore, we interpret c.848+1 G>A as a pathogenic variant.

OMIM
Classification: Pathogenic for RAJAB INTERSTITIAL LUNG DISEASE WITH BRAIN CALCIFICATIONS 1. Last evaluated: 2020-09-08. Review status: no assertion criteria provided. Collection method: literature only. Allele origin: germline. Not counted in ClinVar's aggregate classification.

Literature cited by the submitters: PubMed 29979980 (cited by OMIM).

NM_005687.5(FARSB):c.848+1G>A

Gene: FARSB (phenylalanyl-tRNA synthetase subunit beta; minus strand). Cytogenetic location: 2q36.1.
Variant type: single nucleotide variant.
Coding change: c.848+1G>A on transcript NM_005687.5 (MANE Select); the canonical splice donor site of the intron after coding-DNA position 848, G replaced by A.
Molecular consequence: splice donor variant.
Genome position (GRCh38, 1-based): chr2:222,630,112, C>T on the plus strand (G>A on the coding strand, the complement: FARSB is on the minus strand). VCF-style: chr2-222630112-C-T. GRCh37 (hg19) VCF-style: chr2-223494831-C-T.
Other names: IVS9DS, G-A, +1.
Identifiers: ClinVar variation 545501 (VCV000545501.4), dbSNP rs777071414, ClinGen allele CA2136534.